The following is an entry in ClinVar:

ClinVar aggregate classification (germline): Likely benign. Review status: criteria provided, multiple submitters, no conflicts (2 of 4 stars). 2 submissions from 2 submitters: Likely benign (2). Last evaluated 2025-12-17.

Allele frequency attached by ClinVar (database versions not stated): gnomAD exomes 0.00002 and 0.00001; TOPMed 0.00002; ExAC 0.00003; gnomAD 0.00001.
gnomAD v4.1: 23 of 1,613,672 alleles (0.0014%); highest among the groups gnomAD compares: Admixed American, 0.005%; no homozygotes.

Submissions (2):

Labcorp Genetics (formerly Invitae), Labcorp
Classification: Likely benign. Last evaluated: 2025-12-17. Review status: criteria provided, single submitter. Criteria: Invitae Variant Classification Sherloc (09022015). Collection method: clinical testing. Allele origin: germline.

GeneDx
Classification: Likely benign. Last evaluated: 2016-06-09. Review status: criteria provided, single submitter. Criteria: GeneDx Variant Classification (06012015). Collection method: clinical testing. Allele origin: germline. Affected: yes.
Comment: This variant is considered likely benign or benign based on one or more of the following criteria: it is a conservative change, it occurs at a poorly conserved position in the protein, it is predicted to be benign by multiple in silico algorithms, and/or has population frequency not consistent with disease.

NM_020312.4(COQ9):c.336C>T (p.Pro112=)

Gene: COQ9 (coenzyme Q9; plus strand). Cytogenetic location: 16q21.
Variant type: single nucleotide variant.
Coding change: c.336C>T on transcript NM_020312.4 (MANE Select); coding-DNA position 336, C replaced by T.
Protein change: p.Pro112=; no amino-acid change (proline 112 retained).
Molecular consequence: synonymous variant.
Genome position (GRCh38, 1-based): chr16:57,452,894, C>T. VCF-style: chr16-57452894-C-T. GRCh37 (hg19) VCF-style: chr16-57486806-C-T.
Identifiers: ClinVar variation 386296 (VCV000386296.8), dbSNP rs779510052, ClinGen allele CA8076154.